The following is an entry in ClinVar:

ClinVar aggregate classification (germline): Uncertain significance. Review status: criteria provided, multiple submitters, no conflicts (2 of 4 stars). 4 submissions from 4 submitters: Uncertain significance (4). Last evaluated 2025-12-25.

Conditions:
Malignant hyperthermia, susceptibility to, 1 (MHS1). Also called: RYR1-Related Malignant Hyperthermia Susceptibility; Anesthesia related hyperthermia; Malignant hyperpyrexia; Fulminating hyperpyrexia; Pharmacogenic myopathy; Malignant hyperthermia suceptibility 1. Identifiers: Orphanet 423, MedGen C2930980, MONDO:0007783, OMIM 145600.
Central core myopathy (CMYO1A). Also called: Central core disease; Myopathy, central fibrillar; CONGENITAL MYOPATHY 1A, AUTOSOMAL DOMINANT, WITH SUSCEPTIBILITY TO MALIGNANT HYPERTHERMIA. Identifiers: Orphanet 597, MedGen C5830701, MONDO:0007294, OMIM 117000.
King Denborough syndrome (KDS). Identifiers: MedGen C1840365, MONDO:0020485, OMIM 619542.
Congenital multicore myopathy with external ophthalmoplegia (CMYO1B). Also called: Minicore myopathy with external ophthalmoplegia; MULTIMINICORE DISEASE WITH EXTERNAL OPHTHALMOPLEGIA; Congenital myopathy 1B, autosomal recessive; Minicore myopathy; MULTICORE MYOPATHY. Identifiers: Orphanet 598, Orphanet 98905, MedGen C1850674, MONDO:0009712, OMIM 255320, HP:0003789.
Congenital myopathy with fiber type disproportion. Also called: Congenital fiber-type disproportion myopathy; Congenital fiber-type disproportion. Identifiers: Orphanet 2020, MedGen C0546264, MONDO:0009711. Inheritance: all.
RYR1-related disorder. Also called: RYR1-related disorders; RYR1-related condition. Identifiers: MedGen CN239331.

Allele frequency attached by ClinVar (database versions not stated): TOPMed 0.00001.

Submissions (4):

Labcorp Genetics (formerly Invitae), Labcorp
Classification: Uncertain significance for RYR1-related disorder. Last evaluated: 2025-12-25. Review status: criteria provided, single submitter. Criteria: Invitae Variant Classification Sherloc (09022015). Collection method: clinical testing. Allele origin: germline.
Comment: This sequence change replaces alanine, which is neutral and non-polar, with threonine, which is neutral and polar, at codon 38 of the RYR1 protein (p.Ala38Thr). This variant is present in population databases (rs377558801, gnomAD 0.03%). This missense change has been observed in individual(s) with nemaline rod myopathy (PMID: 34000440). ClinVar contains an entry for this variant (Variation ID: 658548). Invitae Evidence Modeling of protein sequence and biophysical properties (such as structural, functional, and spatial information, amino acid conservation, physicochemical variation, residue mobility, and thermodynamic stability) has been performed for this missense variant. However, the output from this modeling did not meet the statistical confidence thresholds required to predict the impact of this variant on RYR1 protein function. In summary, the available evidence is currently insufficient to determine the role of this variant in disease. Therefore, it has been classified as a Variant of Uncertain Significance.

Color Diagnostics, LLC DBA Color Health
Classification: Uncertain significance for Malignant hyperthermia, susceptibility to, 1. Last evaluated: 2024-02-07. Review status: criteria provided, single submitter. Criteria: ACMG Guidelines, 2015. Collection method: clinical testing. Allele origin: germline.
Comment: This missense variant replaces alanine with threonine at codon 38 of the RYR1 protein. Computational prediction suggests that this variant may not impact protein structure and function. To our knowledge, functional studies have not been reported for this variant. This variant has not been reported in individuals affected with autosomal dominant malignant hyperthermia in the literature, although it is associated with other phenotypes (ClinVar Variation ID: 658548). This variant has been identified in 17/267992 chromosomes in the general population by the Genome Aggregation Database (gnomAD). Due to insufficient evidence, this variant is classified as a Variant of Uncertain Significance for autosomal dominant malignant hyperthermia.

GeneDx
Classification: Uncertain significance. Last evaluated: 2023-10-19. Review status: criteria provided, single submitter. Criteria: GeneDx Variant Classification Process June 2021. Collection method: clinical testing. Allele origin: germline. Affected: yes.
Comment: Reported heterozygous in an individual with nemaline rod myopathy who harbored variants in several additional genes in published literature (Usha Devi et al., 2021); In silico analysis supports that this missense variant has a deleterious effect on protein structure/function; This variant is associated with the following publications: (PMID: 33767344, 34000440)

Fulgent Genetics
Classification: Uncertain significance for Central core myopathy; Malignant hyperthermia, susceptibility to, 1; Congenital myopathy 4A, autosomal dominant; Congenital multicore myopathy with external ophthalmoplegia; King Denborough syndrome. Last evaluated: 2021-08-31. Review status: criteria provided, single submitter. Criteria: ACMG Guidelines, 2015. Collection method: clinical testing. Allele origin: unknown.

Literature cited by the submitters: PubMed 34000440 (cited by Labcorp Genetics (formerly Invitae), Labcorp).

NM_000540.3(RYR1):c.112G>A (p.Ala38Thr)

Gene: RYR1 (ryanodine receptor 1; plus strand). Cytogenetic location: 19q13.2.
Variant type: single nucleotide variant.
Coding change: c.112G>A on transcript NM_000540.3 (MANE Select); coding-DNA position 112, G replaced by A.
Protein change: p.Ala38Thr; replaces alanine 38 with threonine.
Molecular consequence: missense variant.
Genome position (GRCh38, 1-based): chr19:38,440,811, G>A. VCF-style: chr19-38440811-G-A. GRCh37 (hg19) VCF-style: chr19-38931451-G-A.
Other names: c.112G>A, p.Ala38Thr (NM_001042723.2); short protein forms A38T.
Identifiers: ClinVar variation 658548 (VCV000658548.9), dbSNP rs377558801, ClinGen allele CA056689.